The following is an entry in ClinVar:

ClinVar aggregate classification (germline): Likely benign (0 of 4 stars; one submission).

Conditions:
CSMD3-related disorder. Also called: CSMD3-related condition.

Allele frequency attached by ClinVar (database versions not stated): gnomAD 0.00008; TOPMed 0.00009; ExAC 0.00015.
gnomAD v4.1: 191 of 1,612,720 alleles (0.012%); highest among the groups gnomAD compares: South Asian, 0.11%; no homozygotes.

Submission:

PreventionGenetics, part of Exact Sciences
Classification: Likely benign for CSMD3-related condition. Last evaluated: 2019-07-25. Review status: no assertion criteria provided. Collection method: clinical testing. Allele origin: germline.
Comment: This variant is classified as likely benign based on ACMG/AMP sequence variant interpretation guidelines (Richards et al. 2015 PMID: 25741868, with internal and published modifications).

NM_198123.2(CSMD3):c.8615-8C>T

Gene: CSMD3 (CUB and Sushi multiple domains 3; minus strand). Cytogenetic location: 8q23.3.
Variant type: single nucleotide variant.
Coding change: c.8615-8C>T on transcript NM_198123.2 (MANE Select); 8 bases into the intron before coding-DNA position 8615, C replaced by T.
Molecular consequence: intron variant.
Genome position (GRCh38, 1-based): chr8:112,292,718, G>A on the plus strand (C>T on the coding strand, the complement: CSMD3 is on the minus strand). VCF-style: chr8-112292718-G-A. GRCh37 (hg19) VCF-style: chr8-113304947-G-A.
Other names: c.8015-8C>T (NM_001363185.1); c.8108-8C>T (NM_052900.3); c.8495-8C>T (NM_198124.2).
Identifiers: ClinVar variation 3035574 (VCV003035574.2), dbSNP rs202177870, ClinGen allele CA4848907.